The following is an entry in ClinVar:

NM_014324.6(AMACR):c.24_25insACTGCAGGGCATCTCG (p.Val9fs)

Genes: C1QTNF3-AMACR (C1QTNF3-AMACR readthrough (NMD candidate); minus strand), AMACR (alpha-methylacyl-CoA racemase; minus strand). Cytogenetic location: 5p13.2.
Variant type: Insertion.
Coding change: c.24_25insACTGCAGGGCATCTCG on transcript NM_014324.6 (MANE Select); coding-DNA positions 24 to 25, ACTGCAGGGCATCTCG inserted.
Protein change: p.Val9fs; shifts the reading frame from valine 9.
Molecular consequence: frameshift variant.
Genome position: GRCh38 VCF-style: chr5-34007995-C-CCGAGATGCCCTGCAGT. GRCh37 (hg19) VCF-style: chr5-34008100-C-CCGAGATGCCCTGCAGT.
Other names: c.24_25insACTGCAGGGCATCTCG, p.Val9fs (NM_001167595.2, NM_203382.3); short protein forms V9fs.
Identifiers: ClinVar variation 5019402 (VCV005019402.2).

ClinVar aggregate classification (germline): Likely pathogenic (1 of 4 stars; one submission).

Conditions:
Alpha-methylacyl-CoA racemase deficiency (AMACRD). Also called: AMACR deficiency. Identifiers: Orphanet 79095, MedGen C3280428, MONDO:0013681, OMIM 614307. Disease mechanism: loss of function.
Congenital bile acid synthesis defect 4 (CBAS4). Also called: TRIHYDROXYCOPROSTANIC ACID IN BILE; CHOLESTASIS, INTRAHEPATIC, WITH DEFECTIVE CONVERSION OF TRIHYDROXYCOPROSTANIC ACID TO CHOLIC ACID. Identifiers: Orphanet 79095, MedGen C1858328, MONDO:0008967, OMIM 214950.

Submission:

Juno Genomics, Hangzhou Juno Genomics, Inc
Classification: Likely pathogenic for Alpha-methylacyl-CoA racemase deficiency; Congenital bile acid synthesis defect 4. Review status: criteria provided, single submitter. Criteria: ACMG Guidelines, 2015. Collection method: clinical testing. Allele origin: germline.
Comment: Absent from controls (or at extremely low frequency if recessive) in Genome Aggregation Database.;Null variant in a gene where loss of function (LOF) is a known mechanism of disease.